The following is an entry in ClinVar:

ClinVar aggregate classification (germline): Likely pathogenic (1 of 4 stars; one submission).

Submission:

GeneDx
Classification: Likely pathogenic. Last evaluated: 2019-10-17. Review status: criteria provided, single submitter. Criteria: GeneDx Variant Classification Process June 2021. Collection method: clinical testing. Allele origin: germline. Affected: yes.
Comment: Frameshift variant predicted to result in protein truncation or nonsense mediated decay in a gene for which loss-of-function is a known mechanism of disease; Not observed in large population cohorts (Lek et al., 2016); Has not been previously published as pathogenic or benign to our knowledge

NM_003742.4(ABCB11):c.3240del (p.Phe1080fs)

Gene: ABCB11 (ATP binding cassette subfamily B member 11; minus strand). Cytogenetic location: 2q31.1.
Variant type: Deletion.
Coding change: c.3240del on transcript NM_003742.4 (MANE Select); coding-DNA position 3240, one base deleted (T; older notation c.3240delT).
Protein change: p.Phe1080fs; shifts the reading frame from phenylalanine 1080.
Molecular consequence: frameshift variant.
Genome position (GRCh38, 1-based): chr2:168,930,836, A deleted on the plus strand (T on the coding strand, the reverse complement: ABCB11 is on the minus strand); the first of 4 consecutive A bases (chr2:168,930,836-168,930,839); deleting any one gives the same sequence. VCF-style (leftmost placement, unchanged base first): chr2-168930835-CA-C. GRCh37 (hg19) VCF-style: chr2-169787345-CA-C.
Other names: c.3240delT (NM_003742.2); c.3240del, p.Phe1080fs (LRG_1199t1); short protein forms F1080fs.
Identifiers: ClinVar variation 450789 (VCV000450789.3), dbSNP rs1553545923, ClinGen allele CA658657121.